The following is an entry in ClinVar:

ClinVar aggregate classification (germline): Uncertain significance. Review status: criteria provided, multiple submitters, no conflicts (2 of 4 stars). 2 submissions from 2 submitters: Uncertain significance (2). Last evaluated 2024-06-10.

Conditions:
Pyridoxine-dependent epilepsy (EPEO4). Also called: Pyridoxine-Dependent Epilepsy - ALDH7A1; PYRIDOXINE DEPENDENCY WITH SEIZURES; Pyridoxine-Dependent Seizures; EPILEPSY, EARLY-ONSET, 4, VITAMIN B6-DEPENDENT. Identifiers: Orphanet 3006, MedGen C1849508, MONDO:0009945, OMIM 266100. Disease mechanism: loss of function.

Allele frequency attached by ClinVar (database versions not stated): ExAC 0.00001.

Submissions (2):

Blueprint Genetics
Classification: Uncertain significance. Last evaluated: 2024-06-10. Review status: criteria provided, single submitter. Criteria: ACMG Guidelines, 2015. Collection method: clinical testing. Allele origin: germline.

Labcorp Genetics (formerly Invitae), Labcorp
Classification: Uncertain significance for Pyridoxine-dependent epilepsy. Last evaluated: 2022-03-19. Review status: criteria provided, single submitter. Criteria: Invitae Variant Classification Sherloc (09022015). Collection method: clinical testing. Allele origin: germline.
Comment: This sequence change replaces glutamic acid, which is acidic and polar, with alanine, which is neutral and non-polar, at codon 507 of the ALDH7A1 protein (p.Glu507Ala). This variant is present in population databases (rs80049945, gnomAD 0.006%). This variant has not been reported in the literature in individuals affected with ALDH7A1-related conditions. ClinVar contains an entry for this variant (Variation ID: 465323). Advanced modeling of protein sequence and biophysical properties (such as structural, functional, and spatial information, amino acid conservation, physicochemical variation, residue mobility, and thermodynamic stability) performed at Invitae indicates that this missense variant is expected to disrupt ALDH7A1 protein function. In summary, the available evidence is currently insufficient to determine the role of this variant in disease. Therefore, it has been classified as a Variant of Uncertain Significance.

NM_001182.5(ALDH7A1):c.1520A>C (p.Glu507Ala)

Gene: ALDH7A1 (aldehyde dehydrogenase 7 family member A1; minus strand). Cytogenetic location: 5q23.2.
Variant type: single nucleotide variant.
Coding change: c.1520A>C on transcript NM_001182.5 (MANE Select); coding-DNA position 1520, A replaced by C.
Protein change: p.Glu507Ala; replaces glutamic acid 507 with alanine.
Molecular consequence: missense variant.
Genome position (GRCh38, 1-based): chr5:126,546,369, T>G on the plus strand (A>C on the coding strand, the complement: ALDH7A1 is on the minus strand). VCF-style: chr5-126546369-T-G. GRCh37 (hg19) VCF-style: chr5-125882061-T-G.
Other names: c.1436A>C, p.Glu479Ala (NM_001201377.2); c.1328A>C, p.Glu443Ala (NM_001202404.2); short protein forms E507A, E443A, E479A.
Identifiers: ClinVar variation 465323 (VCV000465323.9), dbSNP rs80049945, ClinGen allele CA3389378.
Genomic context (GRCh38, chr5:126,546,369, plus strand): 5'-AAAGCCTTTTCTTACCAAGTAGACCTTCTCATGTACTGTTTCCAGGCATCACTGCCAGAC[T>G]CCCTGCCACCACCAGTGTGCTTTTCTCCTCCTAGAGAAATAAAAAATAATATCATATCTT-3'
Protein context (NP_001173.2, residues 497-517): GGEKHTGGGR[Glu507Ala]SGSDAWKQYM